The following is an entry in ClinVar:

NM_024408.4(NOTCH2):c.6307T>A (p.Ser2103Thr)

Gene: NOTCH2 (notch receptor 2; minus strand). Cytogenetic location: 1p12.
Variant type: single nucleotide variant.
Coding change: c.6307T>A on transcript NM_024408.4 (MANE Select); coding-DNA position 6307, T replaced by A.
Protein change: p.Ser2103Thr; replaces serine 2103 with threonine.
Molecular consequence: missense variant.
Genome position (GRCh38, 1-based): chr1:119,916,415, A>T on the plus strand (T>A on the coding strand, the complement: NOTCH2 is on the minus strand). VCF-style: chr1-119916415-A-T. GRCh37 (hg19) VCF-style: chr1-120459038-A-T.
Other names: c.6307T>A (NM_024408.3); short protein forms S2103T.
Identifiers: ClinVar variation 595680 (VCV000595680.23), dbSNP rs779311707, ClinGen allele CA1039448.

ClinVar aggregate classification (germline): Conflicting classifications of pathogenicity. Review status: criteria provided, conflicting classifications (1 of 4 stars). 5 submissions from 5 submitters: Uncertain significance (2); Benign (1); Likely benign (1). 1 of the submissions does not count toward it. Last evaluated 2025-11-21.

Conditions:
Inborn genetic diseases. Identifiers: MedGen C0950123, MeSH D030342.
Hajdu-Cheney syndrome (HJCYS). Also called: ACROOSTEOLYSIS WITH OSTEOPOROSIS AND CHANGES IN SKULL AND MANDIBLE; SERPENTINE FIBULA-POLYCYSTIC KIDNEY SYNDROME; Acroosteolysis dominant type. Identifiers: Orphanet 955, MedGen C0917715, MONDO:0007057, OMIM 102500.
NOTCH2-related disorder. Also called: NOTCH2-related condition.

Allele frequency attached by ClinVar (database versions not stated): gnomAD 0.00003; gnomAD exomes 0.00006 and 0.00013; TOPMed 0.00007; ExAC 0.00009.
gnomAD v4.1: 39 of 1,613,938 alleles (0.0024%); highest among the groups gnomAD compares: Admixed American, 0.065%; no homozygotes.

Submissions (5):

Labcorp Genetics (formerly Invitae), Labcorp
Classification: Benign for Hajdu-Cheney syndrome. Last evaluated: 2025-11-21. Review status: criteria provided, single submitter. Criteria: Invitae Variant Classification Sherloc (09022015). Collection method: clinical testing. Allele origin: germline.

CeGaT Center for Human Genetics Tuebingen
Classification: Likely benign. Last evaluated: 2025-09-01. Review status: criteria provided, single submitter. Criteria: CeGaT Center For Human Genetics Tuebingen Variant Classification Criteria Version 2. Collection method: clinical testing. Allele origin: germline. Affected: yes. Observed: 1 variant allele.
Comment: NOTCH2: BP4

Ambry Genetics
Classification: Uncertain significance for Inborn genetic diseases. Last evaluated: 2024-02-17. Review status: criteria provided, single submitter. Criteria: Ambry Variant Classification Scheme 2023. Collection method: clinical testing. Allele origin: germline.

Eurofins Ntd Llc (ga)
Classification: Uncertain significance. Last evaluated: 2018-01-09. Review status: criteria provided, single submitter. Criteria: EGL Classification Definitions 2015. Collection method: clinical testing. Allele origin: germline. Observed: 2 variant alleles, 2 heterozygotes.

PreventionGenetics, part of Exact Sciences
Classification: Likely benign for NOTCH2-related condition. Last evaluated: 2023-10-10. Review status: no assertion criteria provided. Collection method: clinical testing. Allele origin: germline. Not counted in ClinVar's aggregate classification.
Comment: This variant is classified as likely benign based on ACMG/AMP sequence variant interpretation guidelines (Richards et al. 2015 PMID: 25741868, with internal and published modifications).